The following is an entry in ClinVar:

NM_004385.5(VCAN):c.49G>A (p.Val17Ile)

Gene: VCAN (versican; plus strand). Cytogenetic location: 5q14.2.
Variant type: single nucleotide variant.
Coding change: c.49G>A on transcript NM_004385.5 (MANE Select); coding-DNA position 49, G replaced by A.
Protein change: p.Val17Ile; replaces valine 17 with isoleucine.
Molecular consequence: missense variant.
Genome position (GRCh38, 1-based): chr5:83,483,567, G>A. VCF-style: chr5-83483567-G-A. GRCh37 (hg19) VCF-style: chr5-82779386-G-A.
Other names: c.49G>A, p.Val17Ile (NM_001126336.3, NM_001164097.2, NM_001164098.2); short protein forms V17I.
Identifiers: ClinVar variation 3692470 (VCV003692470.2).

ClinVar aggregate classification (germline): Uncertain significance (1 of 4 stars; one submission).

gnomAD v4.1: 9 of 1,613,448 alleles (0.00056%); highest among the groups gnomAD compares: Non-Finnish European, 0.00068%; no homozygotes.

Submission:

Labcorp Genetics (formerly Invitae), Labcorp
Classification: Uncertain significance. Last evaluated: 2026-01-09. Review status: criteria provided, single submitter. Criteria: Invitae Variant Classification Sherloc (09022015). Collection method: clinical testing. Allele origin: germline.
Comment: This sequence change replaces valine, which is neutral and non-polar, with isoleucine, which is neutral and non-polar, at codon 17 of the VCAN protein (p.Val17Ile). This variant is not present in population databases (gnomAD no frequency). This variant has not been reported in the literature in individuals affected with VCAN-related conditions. ClinVar contains an entry for this variant (Variation ID: 3692470). An algorithm developed to predict the effect of missense changes on protein structure and function (PolyPhen-2) suggests that this variant is likely to be tolerated. In summary, the available evidence is currently insufficient to determine the role of this variant in disease. Therefore, it has been classified as a Variant of Uncertain Significance.